The following is an entry in ClinVar:

ClinVar aggregate classification (germline): Uncertain significance (1 of 4 stars; one submission).

gnomAD v4.1: 1 of 1,610,840 alleles (0.000062%); highest among the groups gnomAD compares: Admixed American, 0.0017%; no homozygotes.

Submission:

Labcorp Genetics (formerly Invitae), Labcorp
Classification: Uncertain significance. Last evaluated: 2024-05-15. Review status: criteria provided, single submitter. Criteria: Invitae Variant Classification Sherloc (09022015). Collection method: clinical testing. Allele origin: germline.
Comment: This sequence change replaces valine, which is neutral and non-polar, with methionine, which is neutral and non-polar, at codon 96 of the FGFR3 protein (p.Val96Met). This variant is present in population databases (no rsID available, gnomAD 0.003%). This variant has not been reported in the literature in individuals affected with FGFR3-related conditions. Advanced modeling of protein sequence and biophysical properties (such as structural, functional, and spatial information, amino acid conservation, physicochemical variation, residue mobility, and thermodynamic stability) has been performed at Invitae for this missense variant, however the output from this modeling did not meet the statistical confidence thresholds required to predict the impact of this variant on FGFR3 protein function. In summary, the available evidence is currently insufficient to determine the role of this variant in disease. Therefore, it has been classified as a Variant of Uncertain Significance.

NM_000142.5(FGFR3):c.286G>A (p.Val96Met)

Gene: FGFR3 (fibroblast growth factor receptor 3; plus strand). Cytogenetic location: 4p16.3.
Variant type: single nucleotide variant.
Coding change: c.286G>A on transcript NM_000142.5 (MANE Select); coding-DNA position 286, G replaced by A.
Protein change: p.Val96Met; replaces valine 96 with methionine.
Molecular consequence: missense variant. On other transcripts: non-coding transcript variant (1).
Genome position (GRCh38, 1-based): chr4:1,799,430, G>A. VCF-style: chr4-1799430-G-A. GRCh37 (hg19) VCF-style: chr4-1801157-G-A.
Other names: c.286G>A, p.Val96Met (NM_001163213.2, NM_001354809.2, NM_001354810.2 and 1 more transcripts); short protein forms V96M.
Identifiers: ClinVar variation 3608838 (VCV003608838.2).
Genomic context (GRCh38, chr4:1,799,430, plus strand): 5'-AAGGATGGCACAGGGCTGGTGCCCTCGGAGCGTGTCCTGGTGGGGCCCCAGCGGCTGCAG[G>A]TGCTGAATGCCTCCCACGAGGACTCCGGGGCCTACAGCTGCCGGCAGCGGCTCACGCAGC-3'
Protein context (NP_000133.1, residues 86-106): RVLVGPQRLQ[Val96Met]LNASHEDSGA